The following is an entry in ClinVar:

ClinVar aggregate classification (germline): Likely benign. Review status: criteria provided, single submitter (1 of 4 stars). 2 submissions from 2 submitters: Likely benign (1). 1 of the submissions does not count toward it. Last evaluated 2024-10-04.

Conditions:
GAS2L2-related disorder. Also called: GAS2L2-related condition.

Allele frequency attached by ClinVar (database versions not stated): ExAC 0.00036; 1000 Genomes Project 0.00040; TOPMed 0.00045; 1000 Genomes Project 30x 0.00047; gnomAD 0.00048; ESP Exome Variant Server 0.00092; gnomAD exomes 0.00093.

Submissions (2):

Blueprint Genetics
Classification: Likely benign. Last evaluated: 2024-10-04. Review status: criteria provided, single submitter. Criteria: ACMG Guidelines, 2015. Collection method: clinical testing. Allele origin: germline.

PreventionGenetics, part of Exact Sciences
Classification: Likely benign for GAS2L2-related condition. Last evaluated: 2019-10-31. Review status: no assertion criteria provided. Collection method: clinical testing. Allele origin: germline. Not counted in ClinVar's aggregate classification.
Comment: This variant is classified as likely benign based on ACMG/AMP sequence variant interpretation guidelines (Richards et al. 2015 PMID: 25741868, with internal and published modifications).

NM_139285.4(GAS2L2):c.1290C>T (p.Thr430=)

Gene: GAS2L2 (growth arrest specific 2 like 2; minus strand). Cytogenetic location: 17q12.
Variant type: single nucleotide variant.
Coding change: c.1290C>T on transcript NM_139285.4 (MANE Select); coding-DNA position 1290, C replaced by T.
Protein change: p.Thr430=; no amino-acid change (threonine 430 retained).
Molecular consequence: synonymous variant.
Genome position (GRCh38, 1-based): chr17:35,746,207, G>A on the plus strand (C>T on the coding strand, the complement: GAS2L2 is on the minus strand). VCF-style: chr17-35746207-G-A. GRCh37 (hg19) VCF-style: chr17-34073226-G-A.
Identifiers: ClinVar variation 3041184 (VCV003041184.3), dbSNP rs75608951, ClinGen allele CA8506106.
Genomic context (GRCh38, chr17:35,746,207, plus strand): 5'-TATCCCTTTGGTGGTGGCCTCAATGGCTCGGAGTCTTTGTGGGGTGGGGTTCCCGGCGTC[G>A]GTTCCCCAGCTGTCTGTTTCTTCATGAACCCAAGATGTGGGAATCCTTCCCCTGGGGAGT-3'
Protein context (NP_644814.1, residues 420-440): WVHEETDSWG[Thr430=]DAGNPTPQRL